The following is an entry in ClinVar:

ClinVar aggregate classification (germline): Uncertain significance (1 of 4 stars; one submission).

gnomAD v4.1: 76 of 1,550,506 alleles (0.0049%); highest among the groups gnomAD compares: South Asian, 0.039%; no homozygotes.

Submission:

GeneDx
Classification: Uncertain significance. Last evaluated: 2026-10-16. Review status: criteria provided, single submitter. Criteria: GeneDx Variant Classification Process June 2021. Collection method: clinical testing. Allele origin: germline.
Comment: Has not been previously published as pathogenic or benign to our knowledge; In silico analysis is inconclusive as to whether the variant alters gene splicing. In the absence of RNA/functional studies, the actual effect of this sequence change is unknown

NM_001292063.2(OTOG):c.1614C>T (p.Thr538=)

Gene: OTOG (otogelin; plus strand). Cytogenetic location: 11p15.1.
Variant type: single nucleotide variant.
Coding change: c.1614C>T on transcript NM_001292063.2 (MANE Select); coding-DNA position 1614, C replaced by T.
Protein change: p.Thr538=; no amino-acid change (threonine 538 retained).
Molecular consequence: synonymous variant.
Genome position (GRCh38, 1-based): chr11:17,561,777, C>T. VCF-style: chr11-17561777-C-T. GRCh37 (hg19) VCF-style: chr11-17583324-C-T.
Other names: c.1650C>T, p.Thr550= (NM_001277269.2).
Identifiers: ClinVar variation 3907743 (VCV003907743.2).